The following is an entry in ClinVar:

ClinVar aggregate classification (germline): Uncertain significance. Review status: criteria provided, single submitter (1 of 4 stars). 2 submissions from 2 submitters: Uncertain significance (1). 1 of the submissions does not count toward it. Last evaluated 2022-06-30.

Conditions:
Junctional epidermolysis bullosa gravis of Herlitz. Also called: EPIDERMOLYSIS BULLOSA, JUNCTIONAL 1B, SEVERE; Epidermolysis Bullosa Letalis; Herlitz-type junctional epidermolysis bullosa; EPIDERMOLYSIS BULLOSA JUNCTIONALIS, HERLITZ TYPE; EPIDERMOLYSIS BULLOSA, JUNCTIONAL, HERLITZ-PEARSON TYPE; JEB-HERLITZ TYPE. Identifiers: Orphanet 79404, MedGen C0079683, MONDO:0009182, OMIM 226700.

Allele frequency attached by ClinVar (database versions not stated): gnomAD exomes 0.00001 and below 0.00001; TOPMed 0.00001; ExAC 0.00001.

Submissions (2):

Labcorp Genetics (formerly Invitae), Labcorp
Classification: Uncertain significance. Last evaluated: 2022-06-30. Review status: criteria provided, single submitter. Criteria: Invitae Variant Classification Sherloc (09022015). Collection method: clinical testing. Allele origin: germline.
Comment: This variant occurs in a non-coding region of the LAMA3 gene. It does not change the encoded amino acid sequence of the LAMA3 protein. This variant is present in population databases (rs780441868, gnomAD 0.003%). This variant has not been reported in the literature in individuals affected with LAMA3-related conditions. Experimental studies and prediction algorithms are not available or were not evaluated, and the functional significance of this variant is currently unknown. In summary, the available evidence is currently insufficient to determine the role of this variant in disease. Therefore, it has been classified as a Variant of Uncertain Significance.

Counsyl
Classification: Uncertain significance for Junctional epidermolysis bullosa gravis of Herlitz. Last evaluated: 2018-04-25. Review status: no assertion criteria provided. Collection method: clinical testing. Allele origin: unknown. Not counted in ClinVar's aggregate classification.

NM_198129.4(LAMA3):c.1064-1G>A

Gene: LAMA3 (laminin subunit alpha 3; plus strand). Cytogenetic location: 18q11.2.
Variant type: single nucleotide variant.
Coding change: c.1064-1G>A on transcript NM_198129.4 (MANE Select); the canonical splice acceptor site of the intron before coding-DNA position 1064, G replaced by A.
Molecular consequence: splice acceptor variant.
Genome position (GRCh38, 1-based): chr18:23,763,404, G>A. VCF-style: chr18-23763404-G-A. GRCh37 (hg19) VCF-style: chr18-21343368-G-A.
Other names: c.1064-1G>A (NM_001302996.2, NM_001127717.4).
Identifiers: ClinVar variation 557988 (VCV000557988.6), dbSNP rs780441868, ClinGen allele CA8914465.